The following is an entry in ClinVar:

ClinVar aggregate classification (germline): Benign. Review status: criteria provided, multiple submitters, no conflicts (2 of 4 stars). 3 submissions from 3 submitters: Benign (3). Last evaluated 2025-12-29.

Conditions:
Renal tubular dysgenesis. Also called: Renotubular dysgenesis. Identifiers: Orphanet 3033, MedGen C0266313, MONDO:0017609, HP:0008660.

Allele frequency attached by ClinVar (database versions not stated): ESP Exome Variant Server 0.00008; gnomAD 0.00013 and 0.00207; TOPMed 0.00031; gnomAD exomes 0.00321 and 0.00639; ExAC 0.00743; 1000 Genomes Project 30x 0.01452; 1000 Genomes Project 0.01538.
gnomAD v4.1: 4,972 of 1,614,150 alleles (0.31%); highest among the groups gnomAD compares: South Asian, 5.2%; 194 homozygotes.

Submissions (3):

Labcorp Genetics (formerly Invitae), Labcorp
Classification: Benign. Last evaluated: 2025-12-29. Review status: criteria provided, single submitter. Criteria: Invitae Variant Classification Sherloc (09022015). Collection method: clinical testing. Allele origin: germline.

Illumina Laboratory Services, Illumina
Classification: Benign for Renal tubular dysgenesis of genetic origin. Last evaluated: 2018-01-13. Review status: criteria provided, single submitter. Criteria: ICSL Variant Classification Criteria 13 December 2019. Collection method: clinical testing. Allele origin: germline.
Comment: This variant was observed in the ICSL laboratory as part of a predisposition screen in an ostensibly healthy population. It had not been previously curated by ICSL or reported in the Human Gene Mutation Database (HGMD: prior to June 1st, 2018), and was therefore a candidate for classification through an automated scoring system. Utilizing variant allele frequency, disease prevalence and penetrance estimates, and inheritance mode, an automated score was calculated to assess if this variant is too frequent to cause the disease. Based on the score and internal cut-off values, a variant classified as benign is not then subjected to further curation. The score for this variant resulted in a classification of benign for this disease.

Breakthrough Genomics
Classification: Benign. Review status: criteria provided, single submitter. Criteria: ACMG Guidelines, 2015. Collection method: not provided. Allele origin: germline. Inheritance: Autosomal recessive inheritance. Affected: yes.

NM_000789.4(ACE):c.2791C>T (p.Leu931=)

Gene: ACE (angiotensin I converting enzyme; plus strand). Cytogenetic location: 17q23.3.
Variant type: single nucleotide variant.
Coding change: c.2791C>T on transcript NM_000789.4 (MANE Select); coding-DNA position 2791, C replaced by T.
Protein change: p.Leu931=; no amino-acid change (leucine 931 retained).
Molecular consequence: synonymous variant.
Genome position (GRCh38, 1-based): chr17:63,491,260, C>T. VCF-style: chr17-63491260-C-T. GRCh37 (hg19) VCF-style: chr17-61568621-C-T.
Other names: c.1069C>T, p.Leu357= (NM_001178057.2, NM_152830.3).
Identifiers: ClinVar variation 324408 (VCV000324408.14), dbSNP rs141180606, ClinGen allele CA8700260.